The following is an entry in ClinVar:

NM_052989.3(IFT122):c.2901T>G (p.Ser967Arg)

Gene: IFT122 (intraflagellar transport 122; plus strand). Cytogenetic location: 3q22.1.
Variant type: single nucleotide variant.
Coding change: c.2901T>G on transcript NM_052989.3 (MANE Select); coding-DNA position 2901, T replaced by G.
Protein change: p.Ser967Arg; replaces serine 967 with arginine.
Molecular consequence: missense variant.
Genome position (GRCh38, 1-based): chr3:129,512,326, T>G. VCF-style: chr3-129512326-T-G. GRCh37 (hg19) VCF-style: chr3-129231169-T-G.
Other names: c.3054T>G, p.Ser1018Arg (NM_052985.4); c.2571T>G, p.Ser857Arg (NM_052990.3); c.2880T>G, p.Ser960Arg (NM_001280541.2); c.2451T>G, p.Ser817Arg (NM_001280545.2); c.2274T>G, p.Ser758Arg (NM_001280546.2); c.2904T>G, p.Ser968Arg (NM_001410808.1); c.2847T>G, p.Ser949Arg (NM_001410809.1); c.2727T>G, p.Ser909Arg (NM_001410810.1); and 5 more; short protein forms S758R, S949R, S960R, S1018R, S817R, S839R, S890R, S891R.
Identifiers: ClinVar variation 1909098 (VCV001909098.3), dbSNP rs776428756, ClinGen allele CA2606697.

ClinVar aggregate classification (germline): Uncertain significance (1 of 4 stars; one submission).

Conditions:
Cranioectodermal dysplasia 1 (CED1). Also called: LEVIN SYNDROME I. Identifiers: Orphanet 1515, MedGen C0432235, MONDO:0021093, OMIM 218330.

Allele frequency attached by ClinVar (database versions not stated): gnomAD exomes below 0.00001; ExAC 0.00001; gnomAD 0.00001.
gnomAD v4.1: 6 of 1,613,612 alleles (0.00037%); highest among the groups gnomAD compares: Non-Finnish European, 0.00051%; no homozygotes.

Submission:

Labcorp Genetics (formerly Invitae), Labcorp
Classification: Uncertain significance for Cranioectodermal dysplasia 1. Last evaluated: 2025-10-02. Review status: criteria provided, single submitter. Criteria: Invitae Variant Classification Sherloc (09022015). Collection method: clinical testing. Allele origin: germline.
Comment: This sequence change replaces serine, which is neutral and polar, with arginine, which is basic and polar, at codon 1018 of the IFT122 protein (p.Ser1018Arg). This variant is present in population databases (rs776428756, gnomAD 0.0009%). This variant has not been reported in the literature in individuals affected with IFT122-related conditions. ClinVar contains an entry for this variant (Variation ID: 1909098). Invitae Evidence Modeling of protein sequence and biophysical properties (such as structural, functional, and spatial information, amino acid conservation, physicochemical variation, residue mobility, and thermodynamic stability) indicates that this missense variant is not expected to disrupt IFT122 protein function with a negative predictive value of 80%. In summary, the available evidence is currently insufficient to determine the role of this variant in disease. Therefore, it has been classified as a Variant of Uncertain Significance.